The following is an entry in ClinVar:

ClinVar aggregate classification (germline): Uncertain significance (1 of 4 stars; one submission).

Conditions:
Early-onset Lafora body disease. Also called: Epilepsy, progressive myoclonic, 10. Identifiers: Orphanet 324290, MedGen C4225258, MONDO:0014717, OMIM 616640.

Allele frequency attached by ClinVar (database versions not stated): gnomAD 0.00001; gnomAD exomes 0.00001 and 0.00003; TOPMed 0.00001; ExAC 0.00007.
gnomAD v4.1: 12 of 1,569,152 alleles (0.00076%); highest among the groups gnomAD compares: Admixed American, 0.012%; no homozygotes.

Submission:

Labcorp Genetics (formerly Invitae), Labcorp
Classification: Uncertain significance for Early-onset Lafora body disease. Last evaluated: 2022-03-19. Review status: criteria provided, single submitter. Criteria: Invitae Variant Classification Sherloc (09022015). Collection method: clinical testing. Allele origin: germline.
Comment: In summary, the available evidence is currently insufficient to determine the role of this variant in disease. Therefore, it has been classified as a Variant of Uncertain Significance. Algorithms developed to predict the effect of missense changes on protein structure and function are either unavailable or do not agree on the potential impact of this missense change (SIFT: "Deleterious"; PolyPhen-2: "Possibly Damaging"; Align-GVGD: "Class C0"). ClinVar contains an entry for this variant (Variation ID: 572832). This variant has not been reported in the literature in individuals affected with PRDM8-related conditions. This variant is present in population databases (rs776091682, gnomAD 0.02%). This sequence change replaces glutamine, which is neutral and polar, with histidine, which is basic and polar, at codon 550 of the PRDM8 protein (p.Gln550His).

NM_001099403.2(PRDM8):c.1650G>C (p.Gln550His)

Gene: PRDM8 (PR/SET domain 8; plus strand). Cytogenetic location: 4q21.21.
Variant type: single nucleotide variant.
Coding change: c.1650G>C on transcript NM_001099403.2 (MANE Select); coding-DNA position 1650, G replaced by C.
Protein change: p.Gln550His; replaces glutamine 550 with histidine.
Molecular consequence: missense variant.
Genome position (GRCh38, 1-based): chr4:80,203,112, G>C. VCF-style: chr4-80203112-G-C. GRCh37 (hg19) VCF-style: chr4-81124266-G-C.
Other names: c.1650G>C, p.Gln550His (NM_020226.4); short protein forms Q550H.
Identifiers: ClinVar variation 572832 (VCV000572832.8), dbSNP rs776091682, ClinGen allele CA2982423.